The following is an entry in ClinVar:

ClinVar aggregate classification (germline): Uncertain significance (1 of 4 stars; one submission).

Submission:

Dasa
Classification: Uncertain significance. Last evaluated: 2025-11-25. Review status: criteria provided, single submitter. Criteria: DASA Assertion Criteria. Collection method: clinical testing. Allele origin: germline.
Comment: NM_004646.4(NPHS1):c.3030G>C (p.Arg1010Ser) is a missense variant that results in the substitution of arginine with serine. This variant is absent from population databases. Computational prediction algorithms are consistent with a benign effect. The currently available literature and clinical evidence are not sufficient to establish a definitive association between this variant and the reported condition. Therefore, this variant is classified as a variant of uncertain significance.

NM_004646.4(NPHS1):c.3030G>C (p.Arg1010Ser)

Gene: NPHS1 (NPHS1 adhesion molecule, nephrin; minus strand). Cytogenetic location: 19q13.12.
Variant type: single nucleotide variant.
Coding change: c.3030G>C on transcript NM_004646.4 (MANE Select); coding-DNA position 3030, G replaced by C.
Protein change: p.Arg1010Ser; replaces arginine 1010 with serine.
Molecular consequence: missense variant.
Genome position (GRCh38, 1-based): chr19:35,839,316, C>G on the plus strand (G>C on the coding strand, the complement: NPHS1 is on the minus strand). VCF-style: chr19-35839316-C-G. GRCh37 (hg19) VCF-style: chr19-36330218-C-G.
Other names: short protein forms R1010S.
Identifiers: ClinVar variation 4886142 (VCV004886142.2).